The following is an entry in ClinVar:

NM_001040108.2(MLH3):c.3539G>A (p.Arg1180His)

Gene: MLH3 (mutL homolog 3; minus strand). Cytogenetic location: 14q24.3.
Variant type: single nucleotide variant.
Coding change: c.3539G>A on transcript NM_001040108.2 (MANE Select); coding-DNA position 3539, G replaced by A.
Protein change: p.Arg1180His; replaces arginine 1180 with histidine.
Molecular consequence: missense variant.
Genome position (GRCh38, 1-based): chr14:75,039,942, C>T on the plus strand (G>A on the coding strand, the complement: MLH3 is on the minus strand). VCF-style: chr14-75039942-C-T. GRCh37 (hg19) VCF-style: chr14-75506645-C-T.
Other names: c.3539G>A, p.Arg1180His (NM_014381.3); short protein forms R1180H.
Identifiers: ClinVar variation 478037 (VCV000478037.23), dbSNP rs377022215, ClinGen allele CA7275459.

ClinVar aggregate classification (germline): Uncertain significance. Review status: criteria provided, multiple submitters, no conflicts (2 of 4 stars). 5 submissions from 5 submitters: Uncertain significance (4). 1 of the submissions does not count toward it. Last evaluated 2026-01-31.

Conditions:
Endometrial carcinoma. Also called: Endometrial carcinoma, somatic. Identifiers: MedGen C0476089, MONDO:0002447, OMIM 608089, HP:0012114.
Colorectal cancer. Also called: Malignant Colorectal Neoplasm; Colorectal cancer, somatic. Identifiers: MedGen C0346629, MONDO:0005575, OMIM 114500.
Colorectal cancer, hereditary nonpolyposis, type 7. Identifiers: Orphanet 144, MedGen C1858380, MONDO:0013725, OMIM 614385.
MLH3-related disorder. Also called: MLH3-related condition.

Allele frequency attached by ClinVar (database versions not stated): TOPMed 0.00002; gnomAD 0.00004 and 0.00005; ExAC 0.00009; gnomAD exomes 0.00010 and 0.00012; ESP Exome Variant Server 0.00023.
gnomAD v4.1: 148 of 1,571,810 alleles (0.0094%); highest among the groups gnomAD compares: Middle Eastern, 0.017%; no homozygotes.

Submissions (5):

Labcorp Genetics (formerly Invitae), Labcorp
Classification: Uncertain significance for Colorectal cancer, hereditary nonpolyposis, type 7. Last evaluated: 2026-01-31. Review status: criteria provided, single submitter. Criteria: Invitae Variant Classification Sherloc (09022015). Collection method: clinical testing. Allele origin: germline.
Comment: This sequence change replaces arginine, which is basic and polar, with histidine, which is basic and polar, at codon 1180 of the MLH3 protein (p.Arg1180His). This variant is present in population databases (rs377022215, gnomAD 0.02%). This variant has not been reported in the literature in individuals affected with MLH3-related conditions. ClinVar contains an entry for this variant (Variation ID: 478037). An algorithm developed to predict the effect of missense changes on protein structure and function (PolyPhen-2) suggests that this variant is likely to be disruptive. In summary, the available evidence is currently insufficient to determine the role of this variant in disease. Therefore, it has been classified as a Variant of Uncertain Significance.

Center for Genomic Medicine, Rigshospitalet, Copenhagen University Hospital
Classification: Uncertain significance. Last evaluated: 2025-03-04. Review status: criteria provided, single submitter. Criteria: ACMG Guidelines, 2015. Collection method: clinical testing. Allele origin: germline.

Ambry Genetics
Classification: Uncertain significance. Last evaluated: 2024-09-18. Review status: criteria provided, single submitter. Criteria: Ambry Variant Classification Scheme 2023. Collection method: clinical testing. Allele origin: germline.
Comment: The p.R1180H variant (also known as c.3539G>A), located in coding exon 4 of the MLH3 gene, results from a G to A substitution at nucleotide position 3539. The arginine at codon 1180 is replaced by histidine, an amino acid with highly similar properties. This alteration was identified in the heterozygous state in a cohort of pancreatic cancer patients undergoing multigene panel testing (Young EL et al. BMC Cancer, 2018 Jun;18:697). This amino acid position is highly conserved in available vertebrate species. In addition, the in silico prediction for this alteration is inconclusive. Since supporting evidence is limited at this time, the clinical significance of this alteration remains unclear.

Department of Pathology and Laboratory Medicine, Sinai Health System
Classification: Uncertain significance for Colorectal cancer; Endometrial carcinoma; Colorectal cancer, hereditary nonpolyposis, type 7. Last evaluated: 2023-03-30. Review status: criteria provided, single submitter. Criteria: ACMG Guidelines, 2015. Collection method: clinical testing. Allele origin: germline. Affected: yes.

PreventionGenetics, part of Exact Sciences
Classification: Uncertain significance for MLH3-related condition. Last evaluated: 2023-12-08. Review status: no assertion criteria provided. Collection method: clinical testing. Allele origin: germline. Not counted in ClinVar's aggregate classification.
Comment: The MLH3 c.3539G>A variant is predicted to result in the amino acid substitution p.Arg1180His. This variant has been reported in an individual with a personal history of pancreatic cancer (Supplemental Table 2, Young et al. 2018. PubMed ID: 29945567). This variant is reported in 0.017% of alleles in individuals of European (Non-Finnish) descent in gnomAD. In ClinVar, it has been reported as a variant of uncertain significance by multiple laboratories. At this time, the clinical significance of this variant is uncertain due to the absence of conclusive functional and genetic evidence.

Literature cited by the submitters: PubMed 29945567 (cited by Ambry Genetics and Department of Pathology and Laboratory Medicine, Sinai Health System).